The following is an entry in ClinVar:

ClinVar aggregate classification (germline): Uncertain significance (1 of 4 stars; one submission).

Conditions:
Familial adenomatous polyposis 1 (FAP1). Also called: FAMILIAL ADENOMATOUS POLYPOSIS 1, ATTENUATED; POLYPOSIS, ADENOMATOUS INTESTINAL. Identifiers: MedGen C2713442, MONDO:0021056, OMIM 175100. Disease mechanism: loss of function.

Submission:

Labcorp Genetics (formerly Invitae), Labcorp
Classification: Uncertain significance for Familial adenomatous polyposis 1. Last evaluated: 2024-10-31. Review status: criteria provided, single submitter. Criteria: Invitae Variant Classification Sherloc (09022015). Collection method: clinical testing. Allele origin: germline.
Comment: This variant occurs in a non-coding region of the APC gene. It does not change the encoded amino acid sequence of the APC protein. This variant is not present in population databases (gnomAD no frequency). This variant has not been reported in the literature in individuals affected with APC-related conditions. Experimental studies and prediction algorithms are not available or were not evaluated, and the functional significance of this variant is currently unknown. In summary, the available evidence is currently insufficient to determine the role of this variant in disease. Therefore, it has been classified as a Variant of Uncertain Significance.

NM_001127511.3(APC):c.-41G>A

Gene: APC (APC regulator of Wnt signaling pathway; plus strand). Cytogenetic location: 5q22.2.
Variant type: single nucleotide variant.
Coding change: c.-41G>A on transcript NM_001127511.3; 41 bases upstream of the start codon, G replaced by A.
Molecular consequence: 5 prime UTR variant. On other transcripts: non-coding transcript variant (1), intron variant (5).
Genome position (GRCh38, 1-based): chr5:112,707,677, G>A. VCF-style: chr5-112707677-G-A. GRCh37 (hg19) VCF-style: chr5-112043374-G-A.
Other names: c.-1259G>A (NM_001407472.1, NM_001407470.1); c.-19+28G>A (NM_001407448.1, NM_001407450.1, NM_001407457.1 and 1 more transcripts); c.-43+28G>A (NM_001407453.1); c.-224G>A (NM_001407456.1, NM_001407460.1, NM_001407469.1 and 3 more transcripts); c.-41G>A (NM_001354897.2, NM_001354902.2, NM_001407446.1).
Identifiers: ClinVar variation 1056278 (VCV001056278.9), dbSNP rs748454058, ClinGen allele CA2499217401.